The following is an entry in ClinVar:

ClinVar aggregate classification (germline): Pathogenic (1 of 4 stars; one submission).

Conditions:
Kabuki syndrome. Also called: NIIKAWA-KUROKI SYNDROME; Kabuki make-up syndrome. Identifiers: Orphanet 2322, MedGen C0796004, MONDO:0016512.

Submission:

Labcorp Genetics (formerly Invitae), Labcorp
Classification: Pathogenic for Kabuki syndrome. Last evaluated: 2026-01-06. Review status: criteria provided, single submitter. Criteria: Invitae Variant Classification Sherloc (09022015). Collection method: clinical testing. Allele origin: germline.
Comment: This sequence change creates a premature translational stop signal (p.Ala1740Glyfs*9) in the KMT2D gene. It is expected to result in an absent or disrupted protein product. Loss-of-function variants in KMT2D are known to be pathogenic (PMID: 22126750). This variant is not present in population databases (gnomAD no frequency). This variant has not been reported in the literature in individuals affected with KMT2D-related conditions. For these reasons, this variant has been classified as Pathogenic.

Literature cited by the submitters: PubMed 22126750.

NM_003482.4(KMT2D):c.5215_5218dup (p.Ala1740fs)

Gene: KMT2D (lysine methyltransferase 2D; minus strand). Cytogenetic location: 12q13.12.
Variant type: Duplication.
Coding change: c.5215_5218dup on transcript NM_003482.4 (MANE Select); coding-DNA positions 5215 to 5218, 4 bases duplicated (GGCG; older notation c.5215_5218dupGGCG).
Protein change: p.Ala1740fs; shifts the reading frame from alanine 1740.
Molecular consequence: frameshift variant.
Genome position (GRCh38, 1-based): chr12:49,043,969-49,043,972, CGCC duplicated on the plus strand (GGCG on the coding strand, the reverse complement: KMT2D is on the minus strand); duplicating any 4 consecutive bases within chr12:49,043,969-49,043,973 gives the same sequence; the c. name uses the placement nearest the transcript's 3' end. VCF-style (leftmost placement, unchanged base first): chr12-49043968-G-GCGCC. GRCh37 (hg19) VCF-style: chr12-49437751-G-GCGCC.
Other names: short protein forms A1740fs.
Identifiers: ClinVar variation 4734306 (VCV004734306.1).
Genomic context (GRCh38, chr12:49,043,968, plus strand): 5'-TTGCGCCCTCGCCGCTGTTGCTTCTTCTTCTCATCCCCTTCAGCTAAGCTCTGCTCCACG[G>GCGCC]CGCCCTCTGCAGGCAGGTCAGCAGGTATCACTGTGGACAGAACGGAAGTGTCAGACTCGG-3'